The following is an entry in ClinVar:

ClinVar aggregate classification (germline): Likely pathogenic (1 of 4 stars; one submission).

Conditions:
Retinitis pigmentosa 12 (RP12). Also called: RP WITH OR WITHOUT PPRPE; RP WITH OR WITHOUT PRESERVED PARAARTERIOLE RETINAL PIGMENT EPITHELIUM; RETINITIS PIGMENTOSA WITH OR WITHOUT PARAARTERIOLAR PRESERVATION OF RETINAL PIGMENT EPITHELIUM. Identifiers: Orphanet 791, MedGen C1838647, MONDO:0010818, OMIM 600105.
Leber congenital amaurosis 8 (LCA8). Identifiers: Orphanet 65, MedGen C3151202, MONDO:0013453, OMIM 613835.

Submission:

Labcorp Genetics (formerly Invitae), Labcorp
Classification: Likely pathogenic for Leber congenital amaurosis 8; Retinitis pigmentosa 12. Last evaluated: 2021-02-03. Review status: criteria provided, single submitter. Criteria: Invitae Variant Classification Sherloc (09022015). Collection method: clinical testing. Allele origin: germline.
Comment: This sequence change affects a donor splice site in intron 9 of the CRB1 gene. It is expected to disrupt RNA splicing. Variants that disrupt the donor or acceptor splice site typically lead to a loss of protein function (PMID: 16199547), and loss-of-function variants in CRB1 are known to be pathogenic (PMID: 10508521, 22065545, 23379534, 25412400, 26957898, 28041643, 29391521). This variant is not present in population databases (ExAC no frequency). This variant has been observed in individual(s) with clinical features of retinitis pigmentosa (Invitae). Algorithms developed to predict the effect of sequence changes on RNA splicing suggest that this variant may disrupt the consensus splice site, but this prediction has not been confirmed by published transcriptional studies. In summary, the currently available evidence indicates that the variant is pathogenic, but additional data are needed to prove that conclusively. Therefore, this variant has been classified as Likely Pathogenic.

Literature cited by the submitters: PubMed 16199547; PubMed 10508521; PubMed 22065545; PubMed 23379534; PubMed 25412400; PubMed 26957898; PubMed 28041643; PubMed 29391521.

NM_201253.3(CRB1):c.3749+1G>A

Gene: CRB1 (crumbs cell polarity complex component 1; plus strand). Cytogenetic location: 1q31.3.
Variant type: single nucleotide variant.
Coding change: c.3749+1G>A on transcript NM_201253.3 (MANE Select); the canonical splice donor site of the intron after coding-DNA position 3749, G replaced by A.
Molecular consequence: splice donor variant.
Genome position (GRCh38, 1-based): chr1:197,435,613, G>A. VCF-style: chr1-197435613-G-A. GRCh37 (hg19) VCF-style: chr1-197404743-G-A.
Other names: c.3677+1G>A (NM_001257965.2); c.2141+1G>A (NM_001257966.2); c.3413+1G>A (NM_001193640.2).
Identifiers: ClinVar variation 1495574 (VCV001495574.8), dbSNP rs2125501295, ClinGen allele CA344050707.